The following is an entry in ClinVar:

ClinVar aggregate classification (germline): Uncertain significance. Review status: criteria provided, multiple submitters, no conflicts (2 of 4 stars). 3 submissions from 3 submitters: Uncertain significance (3). Last evaluated 2023-07-17.

Conditions:
Cardiovascular phenotype. Identifiers: MedGen CN230736.
Dilated cardiomyopathy 1W (CMD1W). Identifiers: Orphanet 154, MedGen C1969639, MONDO:0012667, OMIM 611407.

Submissions (3):

Labcorp Genetics (formerly Invitae), Labcorp
Classification: Uncertain significance for Dilated cardiomyopathy 1W. Last evaluated: 2023-07-17. Review status: criteria provided, single submitter. Criteria: Invitae Variant Classification Sherloc (09022015). Collection method: clinical testing. Allele origin: germline.
Comment: This sequence change replaces histidine, which is basic and polar, with aspartic acid, which is acidic and polar, at codon 27 of the VCL protein (p.His27Asp). In summary, the available evidence is currently insufficient to determine the role of this variant in disease. Therefore, it has been classified as a Variant of Uncertain Significance. An algorithm developed to predict the effect of missense changes on protein structure and function (PolyPhen-2) suggests that this variant is likely to be disruptive. ClinVar contains an entry for this variant (Variation ID: 1723062). This variant has not been reported in the literature in individuals affected with VCL-related conditions. This variant is not present in population databases (gnomAD no frequency).

GeneDx
Classification: Uncertain significance. Last evaluated: 2022-05-03. Review status: criteria provided, single submitter. Criteria: GeneDx Variant Classification Process June 2021. Collection method: clinical testing. Allele origin: germline. Affected: yes.
Comment: Has not been previously published as pathogenic or benign to our knowledge; Not observed at significant frequency in large population cohorts (gnomAD); In silico analysis supports that this missense variant has a deleterious effect on protein structure/function

Ambry Genetics
Classification: Uncertain significance for Cardiovascular phenotype. Last evaluated: 2021-09-07. Review status: criteria provided, single submitter. Criteria: Ambry Variant Classification Scheme 2023. Collection method: clinical testing. Allele origin: germline.
Comment: The p.H27D variant (also known as c.79C>G), located in coding exon 1 of the VCL gene, results from a C to G substitution at nucleotide position 79. The histidine at codon 27 is replaced by aspartic acid, an amino acid with similar properties. This amino acid position is conserved. In addition, the in silico prediction for this alteration is inconclusive. Since supporting evidence is limited at this time, the clinical significance of this alteration remains unclear.

NM_014000.3(VCL):c.79C>G (p.His27Asp)

Genes: VCL (vinculin; plus strand), LOC130004109 (ATAC-STARR-seq lymphoblastoid active region 3587; plus strand). Cytogenetic location: 10q22.2.
Variant type: single nucleotide variant.
Coding change: c.79C>G on transcript NM_014000.3 (MANE Select); coding-DNA position 79, C replaced by G.
Protein change: p.His27Asp; replaces histidine 27 with aspartic acid.
Molecular consequence: missense variant.
Genome position (GRCh38, 1-based): chr10:73,998,286, C>G. VCF-style: chr10-73998286-C-G. GRCh37 (hg19) VCF-style: chr10-75758044-C-G.
Other names: c.79C>G, p.His27Asp (NM_003373.4); short protein forms H27D.
Identifiers: ClinVar variation 1723062 (VCV001723062.7), dbSNP rs1486411009, ClinGen allele CA377255068.